The following is an entry in ClinVar:

ClinVar aggregate classification (germline): Benign. Review status: criteria provided, multiple submitters, no conflicts (2 of 4 stars). 4 submissions from 4 submitters: Benign (4). Last evaluated 2026-02-02.

Conditions:
Age related macular degeneration 1 (ARMD1). Also called: MACULOPATHY, AGE-RELATED, 1. Identifiers: MedGen C1864205, MONDO:0011285, OMIM 603075.

Allele frequency attached by ClinVar (database versions not stated): ESP Exome Variant Server 0.01930; 1000 Genomes Project 0.01378; gnomAD 0.01472; 1000 Genomes Project 30x 0.01483; TOPMed 0.01727.
gnomAD v4.1: 22,985 of 1,612,938 alleles (1.4%); highest among the groups gnomAD compares: African/African-American, 2.9%; 213 homozygotes.

Submissions (4):

Labcorp Genetics (formerly Invitae), Labcorp
Classification: Benign. Last evaluated: 2026-02-02. Review status: criteria provided, single submitter. Criteria: Invitae Variant Classification Sherloc (09022015). Collection method: clinical testing. Allele origin: germline.

Genome-Nilou Lab
Classification: Benign for Age related macular degeneration 1. Last evaluated: 2023-04-11. Review status: criteria provided, single submitter. Criteria: ACMG Guidelines, 2015. Collection method: clinical testing. Allele origin: germline. Affected: no.

Illumina Laboratory Services, Illumina
Classification: Benign for Age related macular degeneration 1. Last evaluated: 2018-01-12. Review status: criteria provided, single submitter. Criteria: ICSL Variant Classification Criteria 13 December 2019. Collection method: clinical testing. Allele origin: germline.
Comment: This variant was observed in the ICSL laboratory as part of a predisposition screen in an ostensibly healthy population. It had not been previously curated by ICSL or reported in the Human Gene Mutation Database (HGMD: prior to June 1st, 2018), and was therefore a candidate for classification through an automated scoring system. Utilizing variant allele frequency, disease prevalence and penetrance estimates, and inheritance mode, an automated score was calculated to assess if this variant is too frequent to cause the disease. Based on the score and internal cut-off values, a variant classified as benign is not then subjected to further curation. The score for this variant resulted in a classification of benign for this disease.

Breakthrough Genomics
Classification: Benign. Review status: criteria provided, single submitter. Criteria: ACMG Guidelines, 2015. Collection method: not provided. Allele origin: germline. Inheritance: Autosomal dominant inheritance. Affected: yes.

NM_031935.3(HMCN1):c.6981G>A (p.Met2327Ile)

Gene: HMCN1 (hemicentin 1; plus strand). Cytogenetic location: 1q31.1.
Variant type: single nucleotide variant.
Coding change: c.6981G>A on transcript NM_031935.3 (MANE Select); coding-DNA position 6981, G replaced by A.
Protein change: p.Met2327Ile; replaces methionine 2327 with isoleucine.
Molecular consequence: missense variant.
Genome position (GRCh38, 1-based): chr1:186,055,511, G>A. VCF-style: chr1-186055511-G-A. GRCh37 (hg19) VCF-style: chr1-186024643-G-A.
Other names: short protein forms M2327I.
Identifiers: ClinVar variation 294177 (VCV000294177.13), dbSNP rs12067376, ClinGen allele CA1292710.